The following is an entry in ClinVar:

ClinVar aggregate classification (germline): Pathogenic (1 of 4 stars; one submission).

Submission:

Labcorp Genetics (formerly Invitae), Labcorp
Classification: Pathogenic. Last evaluated: 2023-07-17. Review status: criteria provided, single submitter. Criteria: Invitae Variant Classification Sherloc (09022015). Collection method: clinical testing. Allele origin: germline.
Comment: ClinVar contains an entry for this variant (Variation ID: 1997626). For these reasons, this variant has been classified as Pathogenic. This variant has not been reported in the literature in individuals affected with OPA1-related conditions. Information on the frequency of this variant in the gnomAD database is not available, as this variant may be reported differently in the database. This sequence change creates a premature translational stop signal (p.Lys834*) in the OPA1 gene. It is expected to result in an absent or disrupted protein product. Loss-of-function variants in OPA1 are known to be pathogenic (PMID: 11440988, 20157015, 20952381, 25012220).

Literature cited by the submitters: PubMed 11440988; PubMed 20157015; PubMed 20952381; PubMed 25012220.

NM_130837.3(OPA1):c.2664_2665delinsAT (p.Lys889Ter)

Gene: OPA1 (OPA1 mitochondrial dynamin like GTPase; plus strand). Cytogenetic location: 3q29.
Variant type: Indel.
Coding change: c.2664_2665delinsAT on transcript NM_130837.3 (MANE Select); coding-DNA positions 2664 to 2665, TA replaced by AT.
Protein change: p.Lys889Ter; replaces lysine 889 with a stop codon.
Molecular consequence: nonsense.
Genome position (GRCh38, 1-based): chr3:193,664,882-193,664,883, TA replaced by AT. VCF-style: chr3-193664882-TA-AT. GRCh37 (hg19) VCF-style: chr3-193382671-TA-AT.
Other names: c.2130_2131delinsAT, p.Lys711Ter (NM_001354663.2); c.2127_2128delinsAT, p.Lys710Ter (NM_001354664.2); c.2499_2500delinsAT, p.Lys834Ter (NM_015560.3); c.2391_2392delinsAT, p.Lys798Ter (NM_130831.3); c.2445_2446delinsAT, p.Lys816Ter (NM_130832.3); c.2502_2503delinsAT, p.Lys835Ter (NM_130833.3); c.2553_2554delinsAT, p.Lys852Ter (NM_130834.3); c.2556_2557delinsAT, p.Lys853Ter (NM_130835.3); and 1 more; short protein forms K835*, K711*, K834*, K871*, K889*, K710*, K852*, K798*.
Identifiers: ClinVar variation 1997626 (VCV001997626.4), dbSNP rs2475165521, ClinGen allele CA2580070541.
Genomic context (GRCh38, chr3:193,664,882, plus strand): 5'-TGGTTGATCAACATGAAGAATATACAGTAACTCTGGGCTTTCTTTTTTCTCATTTTAGAT[TA>AT]AGGATACTTGGCATCAAGTTTATAGAAGACATTTTTTAAAAACAGCTCTAAACCATTGTA-3'